The following is an entry in ClinVar:

NM_006662.3(SRCAP):c.5024C>T (p.Pro1675Leu)

Gene: SRCAP (Snf2 related CREBBP activator protein; plus strand). Cytogenetic location: 16p11.2.
Variant type: single nucleotide variant.
Coding change: c.5024C>T on transcript NM_006662.3 (MANE Select); coding-DNA position 5024, C replaced by T.
Protein change: p.Pro1675Leu; replaces proline 1675 with leucine.
Molecular consequence: missense variant.
Genome position (GRCh38, 1-based): chr16:30,724,448, C>T. VCF-style: chr16-30724448-C-T. GRCh37 (hg19) VCF-style: chr16-30735769-C-T.
Other names: short protein forms P1675L.
Identifiers: ClinVar variation 3014924 (VCV003014924.4), dbSNP rs376226977, ClinGen allele CA8011883.
Genomic context (GRCh38, chr16:30,724,448, plus strand): 5'-TGGCTCCATCATCAACTCAAACTATGCTACCAGCCCCGGTTCCGTCACCTCTCCCGAGCC[C>T]GGCTTCTACGCAGACACTGGCCCTAGCCCCAGCTTTAGCACCCACTCTTGGAGGCTCATC-3'
Protein context (NP_006653.2, residues 1665-1685): PAPVPSPLPS[Pro1675Leu]ASTQTLALAP

ClinVar aggregate classification (germline): Conflicting classifications of pathogenicity. Review status: criteria provided, conflicting classifications (1 of 4 stars). 2 submissions from 2 submitters: Uncertain significance (1); Likely benign (1). Last evaluated 2024-06-25.

Conditions:
Developmental delay, hypotonia, musculoskeletal defects, and behavioral abnormalities. Identifiers: MedGen C5562012, MONDO:0859202, OMIM 619595.
Floating-Harbor syndrome (FLHS). Also called: SRCAP-Related Floating-Harbor Syndrome; Short stature with delayed bone age, expressive language delay, a triangular face with a prominent nose and deep-set eyes; Pelletier-Leisti syndrome. Identifiers: Orphanet 2044, MedGen C0729582, MONDO:0007621, OMIM 136140.

Allele frequency attached by ClinVar (database versions not stated): ExAC 0.00002; gnomAD 0.00003; TOPMed 0.00003; gnomAD exomes 0.00004; ESP Exome Variant Server 0.00015.
gnomAD v4.1: 68 of 1,614,118 alleles (0.0042%); highest among the groups gnomAD compares: Middle Eastern, 0.033%; no homozygotes.

Submissions (2):

Fulgent Genetics
Classification: Likely benign for Floating-Harbor syndrome; Developmental delay, hypotonia, musculoskeletal defects, and behavioral abnormalities. Last evaluated: 2024-06-25. Review status: criteria provided, single submitter. Criteria: ACMG Guidelines, 2015. Collection method: clinical testing. Allele origin: germline.

Labcorp Genetics (formerly Invitae), Labcorp
Classification: Uncertain significance. Last evaluated: 2023-06-28. Review status: criteria provided, single submitter. Criteria: Invitae Variant Classification Sherloc (09022015). Collection method: clinical testing. Allele origin: germline.
Comment: In summary, the available evidence is currently insufficient to determine the role of this variant in disease. Therefore, it has been classified as a Variant of Uncertain Significance. Advanced modeling of protein sequence and biophysical properties (such as structural, functional, and spatial information, amino acid conservation, physicochemical variation, residue mobility, and thermodynamic stability) performed at Invitae indicates that this missense variant is not expected to disrupt SRCAP protein function. This variant has not been reported in the literature in individuals affected with SRCAP-related conditions. This variant is present in population databases (rs376226977, gnomAD 0.007%). This sequence change replaces proline, which is neutral and non-polar, with leucine, which is neutral and non-polar, at codon 1675 of the SRCAP protein (p.Pro1675Leu).